The following is an entry in ClinVar:

NC_000023.11:g.38275085A>C

Gene: RPGR (retinitis pigmentosa GTPase regulator; minus strand). Cytogenetic location: Xp11.4.
Variant type: single nucleotide variant.
Molecular consequence: intron variant (on NM_001367249.1).
Genome position: GRCh38 VCF-style: chrX-38275085-A-C. GRCh37 (hg19) VCF-style: chrX-38134338-A-C.
Other names: c.1813+4T>G (NM_001367249.1, NM_001367250.1); c.2146+4T>G (NM_001367245.1); c.1630+4T>G (NM_001367251.1); c.1963+4T>G (NM_001367246.1); c.1816+4T>G (NM_001367247.1); c.2149+4T>G (NM_000328.3); c.1846+4T>G (NM_001367248.1).
Identifiers: ClinVar variation 1685072 (VCV001685072.6), dbSNP rs945212131, ClinGen allele CA327947422.

ClinVar aggregate classification (germline): Uncertain significance. Review status: criteria provided, multiple submitters, no conflicts (2 of 4 stars). 2 submissions from 2 submitters: Uncertain significance (2). Last evaluated 2022-08-23.

Conditions:
Primary ciliary dyskinesia. Also called: Ciliary dyskinesia. Identifiers: Orphanet 244, MedGen C0008780, MONDO:0016575, HP:0012265.

Allele frequency attached by ClinVar (database versions not stated): gnomAD exomes below 0.00001.
gnomAD v4.1: 1 of 1,204,884 alleles (0.000083%); highest among the groups gnomAD compares: Middle Eastern, 0.023%; no homozygotes.

Submissions (2):

Labcorp Genetics (formerly Invitae), Labcorp
Classification: Uncertain significance for Primary ciliary dyskinesia. Last evaluated: 2022-08-23. Review status: criteria provided, single submitter. Criteria: Invitae Variant Classification Sherloc (09022015). Collection method: clinical testing. Allele origin: germline.
Comment: In summary, the available evidence is currently insufficient to determine the role of this variant in disease. Therefore, it has been classified as a Variant of Uncertain Significance. Variants that disrupt the consensus splice site are a relatively common cause of aberrant splicing (PMID: 17576681, 9536098). Algorithms developed to predict the effect of sequence changes on RNA splicing suggest that this variant is not likely to affect RNA splicing. ClinVar contains an entry for this variant (Variation ID: 1685072). This variant has not been reported in the literature in individuals affected with RPGR-related conditions. This variant is not present in population databases (gnomAD no frequency). This sequence change falls in intron 17 of the RPGR gene. It does not directly change the encoded amino acid sequence of the RPGR protein. It affects a nucleotide within the consensus splice site.

Mendelics
Classification: Uncertain significance. Last evaluated: 2022-05-04. Review status: criteria provided, single submitter. Criteria: Mendelics Assertion Criteria 2019. Collection method: clinical testing. Allele origin: germline.

Literature cited by the submitters: PubMed 17576681 (cited by Labcorp Genetics (formerly Invitae), Labcorp); PubMed 9536098 (cited by Labcorp Genetics (formerly Invitae), Labcorp).